The following is an entry in ClinVar:

ClinVar aggregate classification (germline): Uncertain significance (1 of 4 stars; one submission).

Allele frequency attached by ClinVar (database versions not stated): gnomAD exomes below 0.00001.
gnomAD v4.1: 3 of 1,614,128 alleles (0.00019%); highest among the groups gnomAD compares: Non-Finnish European, 0.00017%; no homozygotes.

Submission:

Ambry Genetics
Classification: Uncertain significance. Last evaluated: 2025-11-02. Review status: criteria provided, single submitter. Criteria: Ambry Variant Classification Scheme 2023. Collection method: clinical testing. Allele origin: germline.
Comment: The p.R282W variant (also known as c.844A>T), located in coding exon 4 of the GALNT12 gene, results from an A to T substitution at nucleotide position 844. The arginine at codon 282 is replaced by tryptophan, an amino acid with dissimilar properties. This amino acid position is highly conserved in available vertebrate species. In addition, this alteration is predicted to be deleterious by in silico analysis. Since supporting evidence is limited at this time, the clinical significance of this alteration remains unclear.

NM_024642.5(GALNT12):c.844A>T (p.Arg282Trp)

Gene: GALNT12 (polypeptide N-acetylgalactosaminyltransferase 12; plus strand). Cytogenetic location: 9q22.33.
Variant type: single nucleotide variant.
Coding change: c.844A>T on transcript NM_024642.5 (MANE Select); coding-DNA position 844, A replaced by T.
Protein change: p.Arg282Trp; replaces arginine 282 with tryptophan.
Molecular consequence: missense variant.
Genome position (GRCh38, 1-based): chr9:98,831,884, A>T. VCF-style: chr9-98831884-A-T. GRCh37 (hg19) VCF-style: chr9-101594166-A-T.
Other names: short protein forms R282W.
Identifiers: ClinVar variation 1763422 (VCV001763422.3), dbSNP rs2490518003, ClinGen allele CA374218136.